The following is an entry in ClinVar:

ClinVar aggregate classification (germline): Uncertain significance. Review status: criteria provided, multiple submitters, no conflicts (2 of 4 stars). 2 submissions from 2 submitters: Uncertain significance (2). Last evaluated 2024-03-06.

Conditions:
Microcephaly 5, primary, autosomal recessive (MCPH5). Also called: ASPM Primary Microcephaly. Identifiers: Orphanet 2512, MedGen C1837501, MONDO:0012106, OMIM 608716.

Allele frequency attached by ClinVar (database versions not stated): TOPMed 0.00001; ExAC 0.00003.
gnomAD v4.1: 12 of 1,609,950 alleles (0.00075%); highest among the groups gnomAD compares: South Asian, 0.0099%; no homozygotes.

Submissions (2):

Fulgent Genetics
Classification: Uncertain significance for Microcephaly 5, primary, autosomal recessive. Last evaluated: 2024-03-06. Review status: criteria provided, single submitter. Criteria: ACMG Guidelines, 2015. Collection method: clinical testing. Allele origin: germline.

Labcorp Genetics (formerly Invitae), Labcorp
Classification: Uncertain significance. Last evaluated: 2023-12-18. Review status: criteria provided, single submitter. Criteria: Invitae Variant Classification Sherloc (09022015). Collection method: clinical testing. Allele origin: germline.
Comment: This sequence change replaces leucine, which is neutral and non-polar, with isoleucine, which is neutral and non-polar, at codon 1394 of the ASPM protein (p.Leu1394Ile). This variant is present in population databases (rs759544893, gnomAD 0.02%). This variant has not been reported in the literature in individuals affected with ASPM-related conditions. ClinVar contains an entry for this variant (Variation ID: 1499126). Advanced modeling of protein sequence and biophysical properties (such as structural, functional, and spatial information, amino acid conservation, physicochemical variation, residue mobility, and thermodynamic stability) performed at Invitae indicates that this missense variant is expected to disrupt ASPM protein function with a positive predictive value of 80%. In summary, the available evidence is currently insufficient to determine the role of this variant in disease. Therefore, it has been classified as a Variant of Uncertain Significance.

NM_018136.5(ASPM):c.4180C>A (p.Leu1394Ile)

Gene: ASPM (assembly factor for spindle microtubules; minus strand). Cytogenetic location: 1q31.3.
Variant type: single nucleotide variant.
Coding change: c.4180C>A on transcript NM_018136.5 (MANE Select); coding-DNA position 4180, C replaced by A.
Protein change: p.Leu1394Ile; replaces leucine 1394 with isoleucine.
Molecular consequence: missense variant. On other transcripts: intron variant (1).
Genome position (GRCh38, 1-based): chr1:197,105,071, G>T on the plus strand (C>A on the coding strand, the complement: ASPM is on the minus strand). VCF-style: chr1-197105071-G-T. GRCh37 (hg19) VCF-style: chr1-197074201-G-T.
Other names: c.4066-8907C>A (NM_001206846.2); short protein forms L1394I.
Identifiers: ClinVar variation 1499126 (VCV001499126.7), dbSNP rs759544893, ClinGen allele CA1309966.